The following is an entry in ClinVar:

NM_003995.4(NPR2):c.477C>G (p.His159Gln)

Gene: NPR2 (natriuretic peptide receptor 2; plus strand). Cytogenetic location: 9p13.3.
Variant type: single nucleotide variant.
Coding change: c.477C>G on transcript NM_003995.4 (MANE Select); coding-DNA position 477, C replaced by G.
Protein change: p.His159Gln; replaces histidine 159 with glutamine.
Molecular consequence: missense variant.
Genome position (GRCh38, 1-based): chr9:35,792,885, C>G. VCF-style: chr9-35792885-C-G. GRCh37 (hg19) VCF-style: chr9-35792882-C-G.
Other names: c.477C>G, p.His159Gln (NM_001378923.1); short protein forms H159Q.
Identifiers: ClinVar variation 2947060 (VCV002947060.3), dbSNP rs1554671925, ClinGen allele CA373364374.

ClinVar aggregate classification (germline): Uncertain significance (1 of 4 stars; one submission).

Conditions:
Acromesomelic dysplasia 1, Maroteaux type (AMD1). Also called: ST. HELENA DYSPLASIA; ACROMESOMELIC DYSPLASIA 1. Identifiers: Orphanet 40, MedGen C1864356, MONDO:0011275, OMIM 602875.
Tall stature-scoliosis-macrodactyly of the great toes syndrome. Also called: Epiphyseal chondrodysplasia, miura type. Identifiers: Orphanet 329191, MedGen C4014690, MONDO:0014401, OMIM 615923.

gnomAD v4.1: 3 of 1,614,158 alleles (0.00019%); highest among the groups gnomAD compares: Non-Finnish European, 0.00025%; no homozygotes.

Submission:

Labcorp Genetics (formerly Invitae), Labcorp
Classification: Uncertain significance for Tall stature-scoliosis-macrodactyly of the great toes syndrome; Acromesomelic dysplasia 1, Maroteaux type. Last evaluated: 2024-01-19. Review status: criteria provided, single submitter. Criteria: Invitae Variant Classification Sherloc (09022015). Collection method: clinical testing. Allele origin: germline.
Comment: This sequence change replaces histidine, which is basic and polar, with glutamine, which is neutral and polar, at codon 159 of the NPR2 protein (p.His159Gln). This variant is not present in population databases (gnomAD no frequency). This variant has not been reported in the literature in individuals affected with NPR2-related conditions. Advanced modeling of protein sequence and biophysical properties (such as structural, functional, and spatial information, amino acid conservation, physicochemical variation, residue mobility, and thermodynamic stability) performed at Invitae indicates that this missense variant is not expected to disrupt NPR2 protein function with a negative predictive value of 80%. In summary, the available evidence is currently insufficient to determine the role of this variant in disease. Therefore, it has been classified as a Variant of Uncertain Significance.